The following is an entry in ClinVar:

ClinVar aggregate classification (germline): Uncertain significance (1 of 4 stars; one submission).

Conditions:
Long QT syndrome (LQTS). Identifiers: MedGen C0023976, MeSH D008133, MONDO:0002442. Disease mechanism: loss of function. Inheritance: Various modes of inheritance.

Submission:

Labcorp Genetics (formerly Invitae), Labcorp
Classification: Uncertain significance for Long QT syndrome. Last evaluated: 2024-02-23. Review status: criteria provided, single submitter. Criteria: Invitae Variant Classification Sherloc (09022015). Collection method: clinical testing. Allele origin: germline.
Comment: This sequence change replaces serine, which is neutral and polar, with arginine, which is basic and polar, at codon 2156 of the ANK2 protein (p.Ser2156Arg). This variant is not present in population databases (gnomAD no frequency). This variant has not been reported in the literature in individuals affected with ANK2-related conditions. Algorithms developed to predict the effect of missense changes on protein structure and function output the following: SIFT: "Not Available"; PolyPhen-2: "Benign"; Align-GVGD: "Not Available". The arginine amino acid residue is found in multiple mammalian species, which suggests that this missense change does not adversely affect protein function. In summary, the available evidence is currently insufficient to determine the role of this variant in disease. Therefore, it has been classified as a Variant of Uncertain Significance.

NM_001148.6(ANK2):c.6466A>C (p.Ser2156Arg)

Gene: ANK2 (ankyrin 2; plus strand). Cytogenetic location: 4q26.
Variant type: single nucleotide variant.
Coding change: c.6466A>C on transcript NM_001148.6 (MANE Select); coding-DNA position 6466, A replaced by C.
Protein change: p.Ser2156Arg; replaces serine 2156 with arginine.
Molecular consequence: missense variant. On other transcripts: intron variant (68).
Genome position (GRCh38, 1-based): chr4:113,355,084, A>C. VCF-style: chr4-113355084-A-C. GRCh37 (hg19) VCF-style: chr4-114276240-A-C.
Other names: c.1975+4835A>C (NM_001354280.2); c.1954+4835A>C (NM_001354278.2, NM_001354281.2); c.826+4835A>C (NM_001386167.1); c.6232A>C, p.Ser2078Arg (NM_001386142.1); c.2866A>C, p.Ser956Arg (NM_001386166.1); c.6607A>C, p.Ser2203Arg (NM_001386174.1); c.6583A>C, p.Ser2195Arg (NM_001386175.1); c.4411+4835A>C (NM_001386186.2, NM_001386148.2); and 35 more; short protein forms S2156R, S2078R, S2195R, S2203R, S956R.
Identifiers: ClinVar variation 3642926 (VCV003642926.2).